The following is an entry in ClinVar:

ClinVar aggregate classification (germline): Likely benign. Review status: criteria provided, multiple submitters, no conflicts (2 of 4 stars). 2 submissions from 2 submitters: Likely benign (2). Last evaluated 2023-04-24.

Allele frequency attached by ClinVar (database versions not stated): gnomAD exomes below 0.00001 and 0.00001; TOPMed below 0.00001.
gnomAD v4.1: 3 of 1,612,782 alleles (0.00019%); highest among the groups gnomAD compares: Admixed American, 0.005%; no homozygotes.

Submissions (2):

Labcorp Genetics (formerly Invitae), Labcorp
Classification: Likely benign. Last evaluated: 2023-04-24. Review status: criteria provided, single submitter. Criteria: Invitae Variant Classification Sherloc (09022015). Collection method: clinical testing. Allele origin: germline.

GeneDx
Classification: Likely benign. Last evaluated: 2018-05-17. Review status: criteria provided, single submitter. Criteria: GeneDx Variant Classification (06012015). Collection method: clinical testing. Allele origin: germline. Affected: yes.
Comment: This variant is considered likely benign or benign based on one or more of the following criteria: it is a conservative change, it occurs at a poorly conserved position in the protein, it is predicted to be benign by multiple in silico algorithms, and/or has population frequency not consistent with disease.

NM_002335.4(LRP5):c.1585-11C>T

Gene: LRP5 (LDL receptor related protein 5; plus strand). Cytogenetic location: 11q13.2.
Variant type: single nucleotide variant.
Coding change: c.1585-11C>T on transcript NM_002335.4 (MANE Select); 11 bases into the intron before coding-DNA position 1585, C replaced by T.
Molecular consequence: intron variant.
Genome position (GRCh38, 1-based): chr11:68,403,472, C>T. VCF-style: chr11-68403472-C-T. GRCh37 (hg19) VCF-style: chr11-68170940-C-T.
Other names: c.-353-11C>T (NM_001291902.2).
Identifiers: ClinVar variation 668442 (VCV000668442.8), dbSNP rs1380761384, ClinGen allele CA600239073.